The following is an entry in ClinVar:

ClinVar aggregate classification (germline): Pathogenic/Likely pathogenic. Review status: criteria provided, multiple submitters, no conflicts (2 of 4 stars). 2 submissions from 2 submitters: Pathogenic (1); Likely pathogenic (1). Last evaluated 2023-12-29.

Conditions:
Cerebellar ataxia, impaired intellectual development, and dysequilibrium syndrome 1. Also called: VLDLR Cerebellar Hypoplasia; Cerebellar hypoplasia and mental retardation with or without quadrupedal locomotion 1; Cerebellar ataxia, intellectual disability, and dysequilibrium syndrome 1; Cerebellar ataxia, mental retardation, and dysequilibrium syndrome 1; CEREBELLAR ATAXIA AND MENTAL RETARDATION WITH OR WITHOUT QUADRUPEDAL LOCOMOTION 1; CEREBELLAR ATAXIA, CONGENITAL, AND MENTAL RETARDATION, AUTOSOMAL RECESSIVE. Identifiers: Orphanet 1766, MedGen C4551552, MONDO:0024542, OMIM 224050.

Allele frequency attached by ClinVar (database versions not stated): ExAC 0.00001; gnomAD exomes 0.00001.
gnomAD v4.1: 1 of 1,613,914 alleles (0.000062%); highest among the groups gnomAD compares: Non-Finnish European, 0.000085%; no homozygotes.

Submissions (2):

Labcorp Genetics (formerly Invitae), Labcorp
Classification: Likely pathogenic. Last evaluated: 2023-12-29. Review status: criteria provided, single submitter. Criteria: Invitae Variant Classification Sherloc (09022015). Collection method: clinical testing. Allele origin: germline.
Comment: This sequence change affects an acceptor splice site in intron 1 of the VLDLR gene. It is expected to disrupt RNA splicing. Variants that disrupt the donor or acceptor splice site typically lead to a loss of protein function (PMID: 16199547), and loss-of-function variants in VLDLR are known to be pathogenic (PMID: 18043714, 18326629, 22532556). This variant is present in population databases (rs770269674, gnomAD 0.002%). This variant has not been reported in the literature in individuals affected with VLDLR-related conditions. ClinVar contains an entry for this variant (Variation ID: 212565). Algorithms developed to predict the effect of sequence changes on RNA splicing suggest that this variant may disrupt the consensus splice site. In summary, the currently available evidence indicates that the variant is pathogenic, but additional data are needed to prove that conclusively. Therefore, this variant has been classified as Likely Pathogenic.

Genetic Services Laboratory, University of Chicago
Classification: Pathogenic for Cerebellar hypoplasia and mental retardation with or without quadrupedal locomotion 1. Last evaluated: 2014-11-11. Review status: criteria provided, single submitter. Criteria: ACMG Guidelines, 2015. Collection method: clinical testing. Allele origin: germline. Affected: yes.

Literature cited by the submitters: PubMed 16199547 (cited by Labcorp Genetics (formerly Invitae), Labcorp); PubMed 18043714 (cited by Labcorp Genetics (formerly Invitae), Labcorp); PubMed 18326629 (cited by Labcorp Genetics (formerly Invitae), Labcorp); PubMed 22532556 (cited by Labcorp Genetics (formerly Invitae), Labcorp).

NM_003383.5(VLDLR):c.83-1G>A

Gene: VLDLR (very low density lipoprotein receptor; plus strand). Cytogenetic location: 9p24.2.
Variant type: single nucleotide variant.
Coding change: c.83-1G>A on transcript NM_003383.5 (MANE Select); the canonical splice acceptor site of the intron before coding-DNA position 83, G replaced by A.
Molecular consequence: splice acceptor variant.
Genome position (GRCh38, 1-based): chr9:2,635,452, G>A. VCF-style: chr9-2635452-G-A. GRCh37 (hg19) VCF-style: chr9-2635452-G-A.
Other names: c.83-1G>A (NM_001018056.3, NM_001322225.2, NM_001322226.2).
Identifiers: ClinVar variation 212565 (VCV000212565.11), dbSNP rs770269674, ClinGen allele CA205933.